The following is an entry in ClinVar:

NM_000747.3(CHRNB1):c.1217+15G>T

Gene: CHRNB1 (cholinergic receptor nicotinic beta 1 subunit; plus strand). Cytogenetic location: 17p13.1.
Variant type: single nucleotide variant.
Coding change: c.1217+15G>T on transcript NM_000747.3 (MANE Select); 15 bases into the intron after coding-DNA position 1217, G replaced by T.
Molecular consequence: intron variant.
Genome position (GRCh38, 1-based): chr17:7,455,471, G>T. VCF-style: chr17-7455471-G-T. GRCh37 (hg19) VCF-style: chr17-7358790-G-T.
Identifiers: ClinVar variation 1932407 (VCV001932407.5), dbSNP rs1363342989, ClinGen allele CA2580094968.
Genomic context (GRCh38, chr17:7,455,471, plus strand): 5'-TCATCCGGAAGCCGCCAAGTGATTTTCTCTTCCCCAAACCCAATAGGTAGGACTACGCCC[G>T]TTACCCACATAAGAGGGAGAGGGAGAACTACAGTTCCCAGAAGAGTGTGCGGAAGAAGCG-3'

ClinVar aggregate classification (germline): Uncertain significance (1 of 4 stars; one submission).

Conditions:
Congenital myasthenic syndrome 2A. Also called: Myasthenic syndrome, congenital, 2a, slow-channel. Identifiers: Orphanet 590, MedGen C4225374, MONDO:0014581, OMIM 616313.

Submission:

Labcorp Genetics (formerly Invitae), Labcorp
Classification: Uncertain significance for Congenital myasthenic syndrome 2A. Last evaluated: 2022-06-20. Review status: criteria provided, single submitter. Criteria: Invitae Variant Classification Sherloc (09022015). Collection method: clinical testing. Allele origin: germline.
Comment: In summary, the available evidence is currently insufficient to determine the role of this variant in disease. Therefore, it has been classified as a Variant of Uncertain Significance. Algorithms developed to predict the effect of sequence changes on RNA splicing suggest that this variant may disrupt the consensus splice site. This variant has not been reported in the literature in individuals affected with CHRNB1-related conditions. This variant is not present in population databases (gnomAD no frequency). This sequence change falls in intron 9 of the CHRNB1 gene. It does not directly change the encoded amino acid sequence of the CHRNB1 protein.